The following is an entry in ClinVar:

NM_000158.4(GBE1):c.108_111dup (p.Leu38fs)

Gene: GBE1 (1,4-alpha-glucan branching enzyme 1; minus strand). Cytogenetic location: 3p12.2.
Variant type: Duplication.
Coding change: c.108_111dup on transcript NM_000158.4 (MANE Select); coding-DNA positions 108 to 111, 4 bases duplicated (GTAC; older notation c.108_111dupGTAC).
Protein change: p.Leu38fs; shifts the reading frame from leucine 38.
Molecular consequence: frameshift variant.
Genome position (GRCh38, 1-based): chr3:81,761,407-81,761,410, GTAC duplicated on the plus strand (GTAC on the coding strand, the reverse complement: GBE1 is on the minus strand); duplicating any 4 consecutive bases within chr3:81,761,407-81,761,411 gives the same sequence; the c. name uses the placement nearest the transcript's 3' end. VCF-style (leftmost placement, unchanged base first): chr3-81761406-A-AGTAC. GRCh37 (hg19) VCF-style: chr3-81810557-A-AGTAC.
Other names: short protein forms L38fs.
Identifiers: ClinVar variation 4817831 (VCV004817831.1).

ClinVar aggregate classification (germline): Likely pathogenic (1 of 4 stars; one submission).

Conditions:
Glycogen storage disease, type IV (GSD4). Also called: AMYLOPECTINOSIS; ANDERSEN DISEASE; BRANCHER DEFICIENCY; CIRRHOSIS, FAMILIAL, WITH DEPOSITION OF ABNORMAL GLYCOGEN; GBE1 DEFICIENCY; GLYCOGEN BRANCHING ENZYME DEFICIENCY. Identifiers: Orphanet 367, MedGen C0017923, MONDO:0009292, OMIM 232500.

Submission:

Natera, Inc.
Classification: Likely pathogenic for Glycogen storage disease type IV. Last evaluated: 2024-06-07. Review status: criteria provided, single submitter. Criteria: Natera Variant Classification Schema (03/2026). Collection method: clinical testing. Allele origin: germline.
Comment: The c.108_111dup variant in GBE1 is a frameshift variant predicted to shift the reading frame beginning at codon 38 and leads to a stop codon 14 codons downstream. This variant is expected to result in nonsense mediated decay, truncation, or a dysfunctional protein product. This variant is rare in the general population with a frequency below the threshold expected for the associated phenotype(s). Given the available evidence, this variant is classified as Likely Pathogenic.